The following is an entry in ClinVar:

ClinVar aggregate classification (germline): Uncertain significance. Review status: criteria provided, multiple submitters, no conflicts (2 of 4 stars). 2 submissions from 2 submitters: Uncertain significance (2). Last evaluated 2026-09-10.

Conditions:
Hereditary breast ovarian cancer syndrome. Also called: Hereditary breast and/or ovarian cancer syndrome; BRCA1- and BRCA2-Associated Hereditary Breast and Ovarian Cancer; Hereditary breast and ovarian cancer syndrome; Breast and ovarian cancer; Hereditary breast and ovarian cancer; Hereditary breast and ovarian cancer syndrome (HBOC). Identifiers: Orphanet 145, MedGen C0677776, MeSH D061325, MONDO:0003582. Disease mechanism: loss of function.
Hereditary cancer-predisposing syndrome. Also called: Neoplastic Syndromes, Hereditary; Hereditary neoplastic syndrome; Hereditary Cancer Syndrome; Tumor predisposition. Identifiers: Orphanet 140162, MedGen C0027672, MeSH D009386, MONDO:0015356.

Submissions (2):

Ambry Genetics
Classification: Uncertain significance for Hereditary cancer-predisposing syndrome. Last evaluated: 2026-09-10. Review status: criteria provided, single submitter. Criteria: Ambry Variant Classification Scheme 2023. Collection method: clinical testing. Allele origin: germline.
Comment: The p.S2773C variant (also known as c.8318C>G), located in coding exon 17 of the BRCA2 gene, results from a C to G substitution at nucleotide position 8318. The serine at codon 2773 is replaced by cysteine, an amino acid with dissimilar properties. The results from two saturation genome editing-based studies, including a haploid cell-survival assay and a humanized mouse embryonic stem cell line assay of drug response and survival, are discordant for this nucleotide substitution (Huang H et al. Nature. 2025 Feb;638(8050):528-537; Sahu S et al. Nature. 2025 Feb;638(8050):538-545). This amino acid position is well conserved in available vertebrate species. In addition, the in silico prediction for this alteration is inconclusive. Based on the available evidence, the clinical significance of this variant remains unclear.

Labcorp Genetics (formerly Invitae), Labcorp
Classification: Uncertain significance for Hereditary breast ovarian cancer syndrome. Last evaluated: 2024-06-03. Review status: criteria provided, single submitter. Criteria: Invitae Variant Classification Sherloc (09022015). Collection method: clinical testing. Allele origin: germline.
Comment: This sequence change replaces serine, which is neutral and polar, with cysteine, which is neutral and slightly polar, at codon 2773 of the BRCA2 protein (p.Ser2773Cys). This variant is not present in population databases (gnomAD no frequency). This variant has not been reported in the literature in individuals affected with BRCA2-related conditions. ClinVar contains an entry for this variant (Variation ID: 462475). Advanced modeling of protein sequence and biophysical properties (such as structural, functional, and spatial information, amino acid conservation, physicochemical variation, residue mobility, and thermodynamic stability) performed at Invitae indicates that this missense variant is not expected to disrupt BRCA2 protein function with a negative predictive value of 95%. In summary, the available evidence is currently insufficient to determine the role of this variant in disease. Therefore, it has been classified as a Variant of Uncertain Significance.

NM_000059.4(BRCA2):c.8318C>G (p.Ser2773Cys)

Gene: BRCA2 (BRCA2 DNA repair associated; plus strand). Cytogenetic location: 13q13.1.
Variant type: single nucleotide variant.
Coding change: c.8318C>G on transcript NM_000059.4 (MANE Select); coding-DNA position 8318, C replaced by G.
Protein change: p.Ser2773Cys; replaces serine 2773 with cysteine.
Molecular consequence: missense variant.
Genome position (GRCh38, 1-based): chr13:32,363,520, C>G. VCF-style: chr13-32363520-C-G. GRCh37 (hg19) VCF-style: chr13-32937657-C-G.
Other names: short protein forms S2773C.
Identifiers: ClinVar variation 462475 (VCV000462475.8), dbSNP rs1555287085, ClinGen allele CA387750246.
Genomic context (GRCh38, chr13:32,363,520, plus strand): 5'-TTCATGGAGCAGAACTGGTGGGCTCTCCTGATGCCTGTACACCTCTTGAAGCCCCAGAAT[C>G]TCTTATGTTAAAGGTAAATTAATTTGCACTCTTGGTAAAAATCAGTCATTGATTCAGTTA-3'
Protein context (NP_000050.3, residues 2763-2783): DACTPLEAPE[Ser2773Cys]LMLKISANST